The following is an entry in ClinVar:

ClinVar aggregate classification (germline): Benign (0 of 4 stars; one submission).

Conditions:
CCNL2-related disorder. Also called: CCNL2-related condition.

Allele frequency attached by ClinVar (database versions not stated): 1000 Genomes Project 30x 0.00890; ExAC 0.00337; gnomAD 0.00884; ESP Exome Variant Server 0.01077; 1000 Genomes Project 0.00859.
gnomAD v4.1: 3,086 of 1,596,080 alleles (0.19%); highest among the groups gnomAD compares: African/African-American, 3%; 48 homozygotes.

Submission:

PreventionGenetics, part of Exact Sciences
Classification: Benign for CCNL2-related condition. Last evaluated: 2019-09-25. Review status: no assertion criteria provided. Collection method: clinical testing. Allele origin: germline.
Comment: This variant is classified as benign based on ACMG/AMP sequence variant interpretation guidelines (Richards et al. 2015 PMID: 25741868, with internal and published modifications).

NM_030937.6(CCNL2):c.*4G>A

Gene: CCNL2 (cyclin L2; minus strand). Cytogenetic location: 1p36.33.
Variant type: single nucleotide variant.
Coding change: c.*4G>A on transcript NM_030937.6 (MANE Select); 4 bases downstream of the stop codon, G replaced by A.
Molecular consequence: 3 prime UTR variant. On other transcripts: non-coding transcript variant (3).
Genome position (GRCh38, 1-based): chr1:1,387,227, C>T on the plus strand (G>A on the coding strand, the complement: CCNL2 is on the minus strand). VCF-style: chr1-1387227-C-T. GRCh37 (hg19) VCF-style: chr1-1322607-C-T.
Other names: c.*4G>A (NM_001320153.3, NM_001320155.3, NM_001350497.2 and 3 more transcripts).
Identifiers: ClinVar variation 3043139 (VCV003043139.2), dbSNP rs113811513, ClinGen allele CA521731.
Genomic context (GRCh38, chr1:1,387,227, plus strand): 5'-AAAGGGCAGCCATCAGGTACTCCCCAGGGAAGGGCTTGCGGCCACCAGTCACTGCAACCC[C>T]GCCTCACCTCCGATGCCTGCTGTGCCCAGGGTGGTCCCGCTCATAGCGACGGCCTGTGCG-3'